The following is an entry in ClinVar:

ClinVar aggregate classification (germline): Pathogenic/Likely pathogenic. Review status: criteria provided, multiple submitters, no conflicts (2 of 4 stars). 2 submissions from 2 submitters: Pathogenic (1); Likely pathogenic (1). Last evaluated 2024-03-15.

Conditions:
Arginase deficiency. Also called: ARGININEMIA; ARG1 DEFICIENCY; Arginase 1 Deficiency. Identifiers: Orphanet 90, MedGen C0268548, MONDO:0008814, OMIM 207800.

Submissions (2):

Fulgent Genetics
Classification: Likely pathogenic for Arginase deficiency. Last evaluated: 2024-03-15. Review status: criteria provided, single submitter. Criteria: ACMG Guidelines, 2015. Collection method: clinical testing. Allele origin: germline.

Labcorp Genetics (formerly Invitae), Labcorp
Classification: Pathogenic for Arginase deficiency. Last evaluated: 2021-03-08. Review status: criteria provided, single submitter. Criteria: Invitae Variant Classification Sherloc (09022015). Collection method: clinical testing. Allele origin: germline.
Comment: For these reasons, this variant has been classified as Pathogenic. This variant has not been reported in the literature in individuals with ARG1-related conditions. This variant is not present in population databases (ExAC no frequency). This sequence change creates a premature translational stop signal (p.Leu229*) in the ARG1 gene. It is expected to result in an absent or disrupted protein product. Loss-of-function variants in ARG1 are known to be pathogenic (PMID: 7649538, 12052859).

Literature cited by the submitters: PubMed 7649538 (cited by Labcorp Genetics (formerly Invitae), Labcorp); PubMed 12052859 (cited by Labcorp Genetics (formerly Invitae), Labcorp).

NM_000045.4(ARG1):c.684del (p.His228_Leu229insTer)

Genes: ARG1 (arginase 1; plus strand), MED23 (mediator complex subunit 23; minus strand). Cytogenetic location: 6q23.2.
Variant type: Deletion.
Coding change: c.684del on transcript NM_000045.4 (MANE Select); coding-DNA position 684, one base deleted (T; older notation c.684delT).
Protein change: p.His228_Leu229insTer.
Molecular consequence: frameshift variant. On other transcripts: non-coding transcript variant (1), intron variant (2).
Genome position (GRCh38, 1-based): chr6:131,583,373, T deleted. VCF-style (leftmost placement, unchanged base first): chr6-131583372-AT-A. GRCh37 (hg19) VCF-style: chr6-131904512-AT-A.
Other names: c.708del, p.His236_Leu237insTer (NM_001244438.2); c.429del, p.His143_Leu144insTer (NM_001369020.1); c.4077+4336del (NM_001270521.2); c.4095+4336del (NM_015979.4).
Identifiers: ClinVar variation 1075842 (VCV001075842.8), dbSNP rs2114549176, ClinGen allele CA2499218093.
Genomic context (GRCh38, chr6:131,583,372, plus strand): 5'-AGCCATCAACCTTAAACTGAAATCCTTTCCCACTTCTTAAAAGAAAGAAAAGGCCAATTC[AT>A]CTAAGTTTTGATGTTGACGGACTGGACCCATCTTTCACACCAGCTACTGGCACACCAGTC-3'